The following is an entry in ClinVar:

NM_004722.4(AP4M1):c.85G>A (p.Val29Met)

Gene: AP4M1 (adaptor related protein complex 4 subunit mu 1; plus strand). Cytogenetic location: 7q22.1.
Variant type: single nucleotide variant.
Coding change: c.85G>A on transcript NM_004722.4 (MANE Select); coding-DNA position 85, G replaced by A.
Protein change: p.Val29Met; replaces valine 29 with methionine.
Molecular consequence: missense variant.
Genome position (GRCh38, 1-based): chr7:100,101,906, G>A. VCF-style: chr7-100101906-G-A. GRCh37 (hg19) VCF-style: chr7-99699529-G-A.
Other names: c.85G>A, p.Val29Met (NM_001363671.2); short protein forms V29M.
Identifiers: ClinVar variation 2163496 (VCV002163496.2), dbSNP rs1202134883, ClinGen allele CA368463611.

ClinVar aggregate classification (germline): Uncertain significance. Review status: criteria provided, multiple submitters, no conflicts (2 of 4 stars). 2 submissions from 2 submitters: Uncertain significance (2). Last evaluated 2024-12-13.

Conditions:
Inborn genetic diseases. Identifiers: MedGen C0950123, MeSH D030342.
Hereditary spastic paraplegia 50 (SPG50). Also called: Spastic paraplegia 50, autosomal recessive. Identifiers: Orphanet 280763, MedGen C2752008, MONDO:0013048, OMIM 612936.

Allele frequency attached by ClinVar (database versions not stated): gnomAD exomes below 0.00001; TOPMed below 0.00001; gnomAD 0.00001.
gnomAD v4.1: 4 of 1,612,924 alleles (0.00025%); highest among the groups gnomAD compares: Middle Eastern, 0.016%; no homozygotes.

Submissions (2):

Ambry Genetics
Classification: Uncertain significance for Inborn genetic diseases. Last evaluated: 2024-12-13. Review status: criteria provided, single submitter. Criteria: Ambry Variant Classification Scheme 2023. Collection method: clinical testing. Allele origin: germline.

Labcorp Genetics (formerly Invitae), Labcorp
Classification: Uncertain significance for Hereditary spastic paraplegia 50. Last evaluated: 2022-08-23. Review status: criteria provided, single submitter. Criteria: Invitae Variant Classification Sherloc (09022015). Collection method: clinical testing. Allele origin: germline.
Comment: This sequence change replaces valine, which is neutral and non-polar, with methionine, which is neutral and non-polar, at codon 29 of the AP4M1 protein (p.Val29Met). This variant is present in population databases (no rsID available, gnomAD 0.0008%). This variant has not been reported in the literature in individuals affected with AP4M1-related conditions. Algorithms developed to predict the effect of missense changes on protein structure and function are either unavailable or do not agree on the potential impact of this missense change (SIFT: "Deleterious"; PolyPhen-2: "Possibly Damaging"; Align-GVGD: "Class C15"). In summary, the available evidence is currently insufficient to determine the role of this variant in disease. Therefore, it has been classified as a Variant of Uncertain Significance.